The following is an entry in ClinVar:

NM_001165963.4(SCN1A):c.2460dup (p.Ala821fs)

Gene: SCN1A (sodium voltage-gated channel alpha subunit 1; minus strand). Cytogenetic location: 2q24.3.
Variant type: Duplication.
Coding change: c.2460dup on transcript NM_001165963.4 (MANE Select); coding-DNA position 2460, one base duplicated (T; older notation c.2460dupT).
Protein change: p.Ala821fs; shifts the reading frame from alanine 821.
Molecular consequence: frameshift variant. On other transcripts: non-coding transcript variant (1).
Genome position (GRCh38, 1-based): chr2:166,039,552, A duplicated on the plus strand (T on the coding strand, the reverse complement: SCN1A is on the minus strand); the first of 2 consecutive A bases (chr2:166,039,552-166,039,553); duplicating either gives the same sequence. VCF-style (leftmost placement, unchanged base first): chr2-166039551-C-CA. GRCh37 (hg19) VCF-style: chr2-166896061-C-CA.
Other names: c.2376dup, p.Ala793fs (NM_001165964.3, NM_001353957.2, NM_001353958.2); c.2460dup, p.Ala821fs (NM_001202435.3, NM_001353948.2); c.2427dup, p.Ala810fs (NM_001353949.2, NM_001353950.2, NM_001353951.2 and 2 more transcripts); c.2424dup, p.Ala809fs (NM_001353954.2, NM_001353955.2); c.2373dup, p.Ala792fs (NM_001353960.2); c.18dup, p.Ala7fs (NM_001353961.2); short protein forms A7fs, A792fs, A809fs, A821fs, A793fs, A810fs.
Identifiers: ClinVar variation 838723 (VCV000838723.2), dbSNP rs1696883051, ClinGen allele CA916082231.

ClinVar aggregate classification (germline): Pathogenic (1 of 4 stars; one submission).

Conditions:
Developmental and epileptic encephalopathy. Identifiers: MedGen C5779964, MONDO:0100620.

Submission:

Labcorp Genetics (formerly Invitae), Labcorp
Classification: Pathogenic for Early infantile epileptic encephalopathy with suppression bursts. Last evaluated: 2019-04-30. Review status: criteria provided, single submitter. Criteria: Invitae Variant Classification Sherloc (09022015). Collection method: clinical testing. Allele origin: germline.
Comment: This sequence change creates a premature translational stop signal (p.Ala821Cysfs*16) in the SCN1A gene. It is expected to result in an absent or disrupted protein product. This variant is not present in population databases (ExAC no frequency). Loss-of-function variants in SCN1A are known to be pathogenic (PMID: 17347258, 18930999). For these reasons, this variant has been classified as Pathogenic.